The following is an entry in ClinVar:

ClinVar aggregate classification (germline): Pathogenic (1 of 4 stars; one submission).

Conditions:
Epidermodysplasia verruciformis. Identifiers: Orphanet 302, MedGen C0014522, MONDO:0009176.

Submission:

Labcorp Genetics (formerly Invitae), Labcorp
Classification: Pathogenic for Epidermodysplasia verruciformis. Last evaluated: 2020-07-09. Review status: criteria provided, single submitter. Criteria: Invitae Variant Classification Sherloc (09022015). Collection method: clinical testing. Allele origin: germline.
Comment: For these reasons, this variant has been classified as Pathogenic. Loss-of-function variants in TMC8 are known to be pathogenic (PMID: 12426567, 22158547). This variant has not been reported in the literature in individuals with TMC8-related conditions. This variant is present in population databases (rs761550940, ExAC 0.04%). This sequence change creates a premature translational stop signal (p.Leu221Alafs*45) in the TMC8 gene. It is expected to result in an absent or disrupted protein product.

Literature cited by the submitters: PubMed 12426567; PubMed 22158547.

NM_152468.5(TMC8):c.661_662del (p.Leu221fs)

Gene: TMC8 (transmembrane channel like 8; plus strand). Cytogenetic location: 17q25.3.
Variant type: Microsatellite.
Coding change: c.661_662del on transcript NM_152468.5 (MANE Select); coding-DNA positions 661 to 662, 2 bases deleted (CT; older notation c.661_662delCT).
Protein change: p.Leu221fs; shifts the reading frame from leucine 221.
Molecular consequence: frameshift variant.
Genome position (GRCh38, 1-based): chr17:78,133,535-78,133,536, CT deleted; deleting any 2 consecutive bases within chr17:78,133,533-78,133,536 gives the same sequence; the c. name uses the placement nearest the transcript's 3' end. VCF-style (leftmost placement, unchanged base first): chr17-78133532-ACT-A. GRCh37 (hg19) VCF-style: chr17-76129613-ACT-A.
Other names: short protein forms L221fs.
Identifiers: ClinVar variation 1072560 (VCV001072560.7), dbSNP rs761550940, ClinGen allele CA8796549.
Genomic context (GRCh38, chr17:78,133,532, plus strand): 5'-AGCATCCGCCTGGCCTACCTCCTCAGCCCGCTGGCCTGCCTGCTCCTCTGCTTCTGTGGG[ACT>A]CTGCGGCGGTGAGAGCGAGGTCCACACCTTCACCCCTTCCCCAGGGAATCTTCCCTGATC-3'